The following is an entry in ClinVar:

ClinVar aggregate classification (germline): Likely benign. Review status: criteria provided, multiple submitters, no conflicts (2 of 4 stars). 3 submissions from 3 submitters: Likely benign (2). 1 of the submissions does not count toward it. Last evaluated 2023-11-30.

Conditions:
Inborn genetic diseases. Identifiers: MedGen C0950123, MeSH D030342.
NLGN3-related disorder. Also called: NLGN3-related condition.

Allele frequency attached by ClinVar (database versions not stated): gnomAD exomes 0.00008; ExAC 0.00015; ESP Exome Variant Server 0.00019; 1000 Genomes Project 30x 0.00021; gnomAD 0.00024; 1000 Genomes Project 0.00026; TOPMed 0.00034.

Submissions (3):

Blueprint Genetics
Classification: Likely benign. Last evaluated: 2023-11-30. Review status: criteria provided, single submitter. Criteria: ACMG Guidelines, 2015. Collection method: clinical testing. Allele origin: germline.

Ambry Genetics
Classification: Likely benign for Inborn genetic diseases. Last evaluated: 2022-01-18. Review status: criteria provided, single submitter. Criteria: Ambry Variant Classification Scheme 2023. Collection method: clinical testing. Allele origin: germline.

PreventionGenetics, part of Exact Sciences
Classification: Likely benign for NLGN3-related condition. Last evaluated: 2022-06-12. Review status: no assertion criteria provided. Collection method: clinical testing. Allele origin: germline. Not counted in ClinVar's aggregate classification.
Comment: This variant is classified as likely benign based on ACMG/AMP sequence variant interpretation guidelines (Richards et al. 2015 PMID: 25741868, with internal and published modifications).

NM_181303.2(NLGN3):c.413A>G (p.Asn138Ser)

Gene: NLGN3 (neuroligin 3; plus strand). Cytogenetic location: Xq13.1.
Variant type: single nucleotide variant.
Coding change: c.413A>G on transcript NM_181303.2 (MANE Select); coding-DNA position 413, A replaced by G.
Protein change: p.Asn138Ser; replaces asparagine 138 with serine.
Molecular consequence: missense variant.
Genome position (GRCh38, 1-based): chrX:71,148,162, A>G. VCF-style: chrX-71148162-A-G. GRCh37 (hg19) VCF-style: chrX-70368012-A-G.
Other names: c.413A>G, p.Asn138Ser (NM_001166660.2, NM_018977.4); c.62A>G, p.Asn21Ser (NM_001321276.2); short protein forms N138S, N21S.
Identifiers: ClinVar variation 1738133 (VCV001738133.5), dbSNP rs202216841, ClinGen allele CA10445004.